The following is an entry in ClinVar:

ClinVar aggregate classification (germline): Pathogenic/Likely pathogenic. Review status: criteria provided, multiple submitters, no conflicts (2 of 4 stars). 9 submissions from 9 submitters: Pathogenic (2); Likely pathogenic (4). 3 of the submissions do not count toward it. Last evaluated 2025-12-10.

Conditions:
Polycystic kidney disease. Also called: Kidney, Polycystic; Polycystic kidney dysplasia. Identifiers: MedGen C0022680, MeSH D007690, MONDO:0020642, HP:0000113.
PKHD1-related disorder. Also called: PKHD1-related condition.
Polycystic kidney disease 4 (PKD4). Also called: Autosomal Recessive Polycystic Kidney Disease – PKHD1; POLYCYSTIC KIDNEY AND HEPATIC DISEASE 1; POLYCYSTIC KIDNEY DISEASE, INFANTILE, TYPE I; POLYCYSTIC KIDNEY DISEASE 4 WITH OR WITHOUT POLYCYSTIC LIVER DISEASE; PKD3. Identifiers: MedGen C4540575, MONDO:0033004, OMIM 263200.
Autosomal recessive polycystic kidney disease (ARPKD). Also called: AR polycystic kidney disease. Identifiers: Orphanet 731, Orphanet 8378, MedGen C0085548, MeSH D017044, MONDO:0009889.

Allele frequency attached by ClinVar (database versions not stated): gnomAD exomes below 0.00001 and 0.00001.

Submissions (9):

Natera, Inc.
Classification: Likely pathogenic for Autosomal recessive polycystic kidney disease. Last evaluated: 2025-12-10. Review status: criteria provided, single submitter. Criteria: Natera Variant Classification Schema (03/2026). Collection method: clinical testing. Allele origin: germline.
Comment: The c.3940delA variant in PKHD1 is a frameshift variant predicted to shift the reading frame beginning at codon 1314 and leads to a stop codon 2 codons downstream. This variant is expected to result in nonsense mediated decay, truncation, or a dysfunctional protein product. This variant is rare in the general population with a frequency below the threshold expected for the associated phenotype(s). Given the available evidence, this variant is classified as Likely Pathogenic.

GeneDx
Classification: Pathogenic. Last evaluated: 2024-09-22. Review status: criteria provided, single submitter. Criteria: GeneDx Variant Classification Process June 2021. Collection method: clinical testing. Allele origin: germline. Affected: yes.
Comment: Frameshift variant predicted to result in protein truncation or nonsense mediated decay in a gene for which loss of function is a known mechanism of disease; Not observed at significant frequency in large population cohorts (gnomAD); Has not been previously published as pathogenic or benign to our knowledge

Fulgent Genetics
Classification: Likely pathogenic for Polycystic kidney disease 4. Last evaluated: 2024-06-11. Review status: criteria provided, single submitter. Criteria: ACMG Guidelines, 2015. Collection method: clinical testing. Allele origin: germline.

Labcorp Genetics (formerly Invitae), Labcorp
Classification: Pathogenic for Autosomal recessive polycystic kidney disease. Last evaluated: 2023-09-08. Review status: criteria provided, single submitter. Criteria: Invitae Variant Classification Sherloc (09022015). Collection method: clinical testing. Allele origin: germline.
Comment: For these reasons, this variant has been classified as Pathogenic. ClinVar contains an entry for this variant (Variation ID: 371441). This variant has not been reported in the literature in individuals affected with PKHD1-related conditions. This variant is present in population databases (no rsID available, gnomAD 0.0009%). This sequence change creates a premature translational stop signal (p.Ser1314Alafs*2) in the PKHD1 gene. It is expected to result in an absent or disrupted protein product. Loss-of-function variants in PKHD1 are known to be pathogenic (PMID: 19940839).

Women's Health and Genetics/Laboratory Corporation of America, LabCorp
Classification: Likely pathogenic for Autosomal recessive polycystic kidney disease. Last evaluated: 2019-11-05. Review status: criteria provided, single submitter. Criteria: LabCorp Variant Classification Summary - May 2015. Collection method: clinical testing. Allele origin: germline.
Comment: Variant summary: PKHD1 c.3940delA (p.Ser1314AlafsX2) results in a premature termination codon, predicted to cause a truncation of the encoded protein or absence of the protein due to nonsense mediated decay, which are commonly known mechanisms for disease. The variant allele was found at a frequency of 4e-06 in 250198 control chromosomes (gnomAD). To our knowledge, no occurrence of c.3940delA in individuals affected with Polycystic Kidney and Hepatic Disease and no experimental evidence demonstrating its impact on protein function have been reported. Two clinical diagnostic laboratories have submitted clinical-significance assessments for this variant to ClinVar after 2014 without evidence for independent evaluation, and both of them classified the variant as likely pathogenic. Based on the evidence outlined above, the variant was classified as likely pathogenic.

Blueprint Genetics
Classification: Likely pathogenic for PKHD1-related disorders. Last evaluated: 2019-10-30. Review status: criteria provided, single submitter. Criteria: ACMG Guidelines, 2015. Collection method: clinical testing. Allele origin: germline. Affected: yes. Observed: 4 variant alleles.

PreventionGenetics, part of Exact Sciences
Classification: Likely pathogenic for PKHD1-related condition. Last evaluated: 2024-05-07. Review status: no assertion criteria provided. Collection method: clinical testing. Allele origin: germline. Not counted in ClinVar's aggregate classification.
Comment: The PKHD1 c.3940delA variant is predicted to result in a frameshift and premature protein termination (p.Ser1314Alafs*2). To our knowledge, this variant has not been reported in the literature. This variant is reported in 0.00089% of alleles in individuals of European (Non-Finnish) descent in gnomAD. Frameshift variants in PKHD1 are expected to be pathogenic. This variant is interpreted as likely pathogenic.

Counsyl
Classification: Likely pathogenic for Polycystic kidney disease 4. Last evaluated: 2016-09-27. Review status: no assertion criteria provided. Collection method: clinical testing. Allele origin: unknown. Not counted in ClinVar's aggregate classification.

Department of Pathology and Laboratory Medicine, Sinai Health System
Classification: Pathogenic for Polycystic Kidney disease. Review status: no assertion criteria provided. Collection method: clinical testing. Allele origin: unknown. Affected: yes. Study: The Canadian Open Genetics Repository (COGR). Not counted in ClinVar's aggregate classification.
Comment: The PKHD1 p.Ser1314Alafs*2 variant was not identified in the literature nor was it identified in the LOVD 3.0, or RWTH AAachen University ARPKD databases. The variant was identified in dbSNP (ID: rs1057517273) as "With Likely pathogenic allele", and ClinVar (classified as likely pathogenic by Counsyl). The variant was not identified in the following control databases: the Exome Aggregation Consortium (August 8th 2016), or the Genome Aggregation Database (Feb 27, 2017). The c.3940del variant is predicted to cause a frameshift, which alters the protein amino acid sequence beginning at codon 1314 and leads to a premature stop codon at position 1315. This alteration is then predicted to result in a truncated or absent protein and loss of function. Loss of function variants of the PKHD1 gene are an established mechanism of disease in ARPKD and is the type of variant expected to cause the disorder. In summary, based on the above information this variant meets our laboratory criteria to be classified as pathogenic.

Literature cited by the submitters: PubMed 19940839 (cited by Labcorp Genetics (formerly Invitae), Labcorp).

NM_138694.4(PKHD1):c.3940del (p.Ser1314fs)

Gene: PKHD1 (PKHD1 ciliary IPT domain containing fibrocystin/polyductin; minus strand). Cytogenetic location: 6p12.2.
Variant type: Deletion.
Coding change: c.3940del on transcript NM_138694.4 (MANE Select); coding-DNA position 3940, one base deleted (A; older notation c.3940delA).
Protein change: p.Ser1314fs; shifts the reading frame from serine 1314.
Molecular consequence: frameshift variant.
Genome position (GRCh38, 1-based): chr6:52,025,870, T deleted on the plus strand (A on the coding strand, the reverse complement: PKHD1 is on the minus strand). VCF-style (leftmost placement, unchanged base first): chr6-52025869-CT-C. GRCh37 (hg19) VCF-style: chr6-51890667-CT-C.
Other names: c.3940del, p.Ser1314fs (NM_170724.3); c.3940del (NM_138694.3); short protein forms S1314fs.
Identifiers: ClinVar variation 371441 (VCV000371441.26), dbSNP rs1057517273, ClinGen allele CA16041057.